The following is an entry in ClinVar:

ClinVar aggregate classification (germline): Likely benign. Review status: criteria provided, multiple submitters, no conflicts (2 of 4 stars). 2 submissions from 2 submitters: Likely benign (2). Last evaluated 2018-06-19.

Allele frequency attached by ClinVar (database versions not stated): 1000 Genomes Project 30x 0.00468; TOPMed 0.00515; 1000 Genomes Project 0.00519.
gnomAD v4.1: 1,793 of 1,496,020 alleles (0.12%); highest among the groups gnomAD compares: African/African-American, 1.4%; 7 homozygotes.

Submissions (2):

GeneDx
Classification: Likely benign. Last evaluated: 2018-06-19. Review status: criteria provided, single submitter. Criteria: GeneDx Variant Classification (06012015). Collection method: clinical testing. Allele origin: germline. Affected: yes.
Comment: This variant is considered likely benign or benign based on one or more of the following criteria: it is a conservative change, it occurs at a poorly conserved position in the protein, it is predicted to be benign by multiple in silico algorithms, and/or has population frequency not consistent with disease.

Breakthrough Genomics
Classification: Likely benign. Review status: criteria provided, single submitter. Criteria: ACMG Guidelines, 2015. Collection method: not provided. Allele origin: germline. Inheritance: Autosomal recessive inheritance. Affected: yes.

NM_000540.3(RYR1):c.12624+61C>G

Gene: RYR1 (ryanodine receptor 1; plus strand). Cytogenetic location: 19q13.2.
Variant type: single nucleotide variant.
Coding change: c.12624+61C>G on transcript NM_000540.3 (MANE Select); 61 bases into the intron after coding-DNA position 12624, C replaced by G.
Molecular consequence: intron variant.
Genome position (GRCh38, 1-based): chr19:38,561,515, C>G. VCF-style: chr19-38561515-C-G. GRCh37 (hg19) VCF-style: chr19-39052155-C-G.
Other names: c.12609+61C>G (NM_001042723.2).
Identifiers: ClinVar variation 683920 (VCV000683920.2), dbSNP rs138998721, ClinGen allele CA308106209.